The following is an entry in ClinVar:

NM_024757.5(EHMT1):c.2272C>G (p.Leu758Val)

Gene: EHMT1 (euchromatic histone lysine methyltransferase 1; plus strand). Cytogenetic location: 9q34.3.
Variant type: single nucleotide variant.
Coding change: c.2272C>G on transcript NM_024757.5 (MANE Select); coding-DNA position 2272, C replaced by G.
Protein change: p.Leu758Val; replaces leucine 758 with valine.
Molecular consequence: missense variant.
Genome position (GRCh38, 1-based): chr9:137,779,714, C>G. VCF-style: chr9-137779714-C-G. GRCh37 (hg19) VCF-style: chr9-140674166-C-G.
Other names: c.2272C>G, p.Leu758Val (NM_001145527.2); c.2179C>G, p.Leu727Val (NM_001354259.2); c.2251C>G, p.Leu751Val (NM_001354263.2); short protein forms L751V, L758V, L727V.
Identifiers: ClinVar variation 848982 (VCV000848982.11), dbSNP rs1951235377, ClinGen allele CA375781066.
Genomic context (GRCh38, chr9:137,779,714, plus strand): 5'-CACCCAAAGCAGCTGTACTTCTCCGCCAGGCAAGGGGAGCTTCAGAAGGTGCTCCTCATG[C>G]TGGGTAAGTGCCTTCCTGCGGCCCGGGCACATGCAGCCGGCCCTGTGGCACTGAAAGAAG-3'
Protein context (NP_079033.4, residues 748-768): QGELQKVLLM[Leu758Val]VDGIDPNFKM

ClinVar aggregate classification (germline): Uncertain significance. Review status: criteria provided, multiple submitters, no conflicts (2 of 4 stars). 2 submissions from 2 submitters: Uncertain significance (2). Last evaluated 2021-06-14.

Conditions:
Kleefstra syndrome 1 (KLEFS1). Identifiers: Orphanet 261494, MedGen C0795833, MONDO:0027407, OMIM 610253.

Submissions (2):

GeneDx
Classification: Uncertain significance. Last evaluated: 2021-06-14. Review status: criteria provided, single submitter. Criteria: GeneDx Variant Classification Process June 2021. Collection method: clinical testing. Allele origin: germline. Affected: yes.
Comment: Not observed at significant frequency in large population cohorts (Lek et al., 2016); In silico analysis supports that this missense variant does not alter protein structure/function; In silico analysis, which includes splice predictors and evolutionary conservation, suggests this variant may impact gene splicing. In the absence of RNA/functional studies, the actual effect of this sequence change is unknown.; Has not been previously published as pathogenic or benign to our knowledge; This variant is associated with the following publications: (PMID: 27535533)

Labcorp Genetics (formerly Invitae), Labcorp
Classification: Uncertain significance for Kleefstra syndrome 1. Last evaluated: 2019-01-27. Review status: criteria provided, single submitter. Criteria: Invitae Variant Classification Sherloc (09022015). Collection method: clinical testing. Allele origin: germline.
Comment: Algorithms developed to predict the effect of sequence changes on RNA splicing suggest that this variant may create or strengthen a splice site, but this prediction has not been confirmed by published transcriptional studies. Algorithms developed to predict the effect of missense changes on protein structure and function are either unavailable or do not agree on the potential impact of this missense change (SIFT: "Deleterious"; PolyPhen-2: "Probably Damaging"; Align-GVGD: "Class C0"). This variant has not been reported in the literature in individuals with EHMT1-related conditions. This variant is not present in population databases (ExAC no frequency). This sequence change replaces leucine with valine at codon 758 of the EHMT1 protein (p.Leu758Val). The leucine residue is highly conserved and there is a small physicochemical difference between leucine and valine. In summary, the available evidence is currently insufficient to determine the role of this variant in disease. Therefore, it has been classified as a Variant of Uncertain Significance.